The following is an entry in ClinVar:

NM_005343.4(HRAS):c.418C>T (p.Pro140Ser)

Genes: HRAS (HRas proto-oncogene, GTPase; minus strand), LRRC56 (leucine rich repeat containing 56; plus strand). Cytogenetic location: 11p15.5.
Variant type: single nucleotide variant.
Coding change: c.418C>T on transcript NM_005343.4 (MANE Select); coding-DNA position 418, C replaced by T.
Protein change: p.Pro140Ser; replaces proline 140 with serine.
Molecular consequence: missense variant. On other transcripts: synonymous variant (1).
Genome position (GRCh38, 1-based): chr11:533,485, G>A on the plus strand (C>T on the coding strand, the complement: HRAS is on the minus strand). VCF-style: chr11-533485-G-A. GRCh37 (hg19) VCF-style: chr11-533485-G-A.
Other names: c.418C>T, p.Pro140Ser (NM_001130442.3, NM_176795.5); c.99C>T, p.Ser33= (NM_001318054.2); c.418C>T (NM_005343.3); short protein forms P140S.
Identifiers: ClinVar variation 177861 (VCV000177861.16), dbSNP rs144001095, ClinGen allele CA180880.

ClinVar aggregate classification (germline): Conflicting classifications of pathogenicity. Review status: criteria provided, conflicting classifications (1 of 4 stars). 4 submissions from 4 submitters: Uncertain significance (3); Likely benign (1). Last evaluated 2026-06-18.

Conditions:
HRAS-related disorder. Also called: HRAS-related condition.
Cardiovascular phenotype. Identifiers: MedGen CN230736.
Costello syndrome (CSTLO). Also called: FACIOCUTANEOSKELETAL SYNDROME; FCS SYNDROME; HRAS-Related Costello Syndrome. Identifiers: Orphanet 3071, MedGen C0587248, MONDO:0009026, OMIM 218040.

Allele frequency attached by ClinVar (database versions not stated): gnomAD exomes below 0.00001; ExAC 0.00001; TOPMed 0.00001; ESP Exome Variant Server 0.00008.
gnomAD v4.1: 4 of 1,613,596 alleles (0.00025%); highest among the groups gnomAD compares: South Asian, 0.0011%; no homozygotes.

Submissions (4):

PreventionGenetics, part of Exact Sciences
Classification: Uncertain significance for HRAS-related condition. Last evaluated: 2026-06-18. Review status: criteria provided, single submitter. Criteria: ACMG Guidelines, 2015. Collection method: clinical testing. Allele origin: germline.
Comment: The HRAS c.418C>T variant is predicted to result in the amino acid substitution p.Pro140Ser. To our knowledge, this variant has not been reported in the literature. This variant is reported in 0.0033% of alleles in individuals of South Asian descent in gnomAD. At this time, the clinical significance of this variant is uncertain due to the absence of conclusive functional and genetic evidence.

Ambry Genetics
Classification: Uncertain significance for Cardiovascular phenotype. Last evaluated: 2026-05-23. Review status: criteria provided, single submitter. Criteria: Ambry Variant Classification Scheme 2023. Collection method: clinical testing. Allele origin: germline.
Comment: The p.P140S variant (also known as c.418C>T), located in coding exon 3 of the HRAS gene, results from a C to T substitution at nucleotide position 418. The proline at codon 140 is replaced by serine, an amino acid with similar properties. This amino acid position is conserved. In addition, the in silico prediction for this alteration is inconclusive. Based on the available evidence, the clinical significance of this variant remains unclear.

Labcorp Genetics (formerly Invitae), Labcorp
Classification: Likely benign for Costello syndrome. Last evaluated: 2025-04-09. Review status: criteria provided, single submitter. Criteria: Invitae Variant Classification Sherloc (09022015). Collection method: clinical testing. Allele origin: germline.

Laboratory for Molecular Medicine, Mass General Brigham Personalized Medicine
Classification: Uncertain significance. Last evaluated: 2016-02-11. Review status: criteria provided, single submitter. Criteria: LMM Criteria. Collection method: clinical testing. Allele origin: germline. Observed: 2 variant alleles.
Comment: proposed classification - variant undergoing re-assessment, contact laboratory